The following is an entry in ClinVar:

ClinVar aggregate classification (germline): Uncertain significance (3 of 4 stars; one submission).

Conditions:
Glanzmann thrombasthenia. Also called: PLATELET GLYCOPROTEIN IIb-IIIa DEFICIENCY; Thrombasthenia; Glanzmann's thrombasthenia; BLEEDING DISORDER, PLATELET-TYPE, 2; THROMBASTHENIA OF GLANZMANN AND NAEGELI. Identifiers: Orphanet 849, MedGen C0040015, MONDO:0100326.

Allele frequency attached by ClinVar (database versions not stated): gnomAD exomes below 0.00001; ExAC 0.00002; TOPMed 0.00003; gnomAD 0.00005; 1000 Genomes Project 30x 0.00016; 1000 Genomes Project 0.00020.
gnomAD v4.1: 14 of 1,614,216 alleles (0.00087%); highest among the groups gnomAD compares: African/African-American, 0.019%; no homozygotes.

Submission:

ClinGen Platelet Disorders Variant Curation Expert Panel, ClinGen
Classification: Uncertain significance for Glanzmann thrombasthenia. Last evaluated: 2024-06-06. Review status: reviewed by expert panel. Criteria: ClinGen Platelet ACMG Specifications v2-1. Collection method: curation. Allele origin: germline. Inheritance: Autosomal recessive inheritance.
Comment: The NM_000212.3(ITGB3):c.1412G>T (p.Ser471Ile) missense variant has a REVEL gives a score of 0.756, which is above the ClinGen PD VCEP threshold of >0.7 and predicts a damaging effect on function (PP3). The highest population minor allele frequency in gnomAD v4.1.0 is 0.0001865 14/75048 alleles in the African/African American population, which is below than the ClinGen PD VCEP threshold (>0.00158) for BS1 but above the <0.0001 threshold for PM2_supporting. At least one patient (Proband 1 in PMID:18788610) with this variant displayed mucocutaneous bleeding and impaired aggregation with all agonists except ristocetin, which is highly specific for Glanzmann thrombasthenia (PP4_Moderate). In summary, this variant meets the criteria to be classified as Uncertain significance for autosomal recessive Glanzmann Thrombasthenia based on the ACMG/AMP criteria applied, as specified by the ClinGen PD VCEP: PP4_moderate, PP3 (VCEP specifications version 2; date of approval 06/06/2024).

NM_000212.3(ITGB3):c.1412G>T (p.Ser471Ile)

Gene: ITGB3 (integrin subunit beta 3; plus strand). Cytogenetic location: 17q21.32.
Variant type: single nucleotide variant.
Coding change: c.1412G>T on transcript NM_000212.3 (MANE Select); coding-DNA position 1412, G replaced by T.
Protein change: p.Ser471Ile; replaces serine 471 with isoleucine.
Molecular consequence: missense variant.
Genome position (GRCh38, 1-based): chr17:47,292,290, G>T. VCF-style: chr17-47292290-G-T. GRCh37 (hg19) VCF-style: chr17-45369656-G-T.
Other names: NM_000212.3:c.1412G>T; short protein forms S471I.
Identifiers: ClinVar variation 3242405 (VCV003242405.1), dbSNP rs566673492.